The following is an entry in ClinVar:

ClinVar aggregate classification (germline): Uncertain significance. Review status: criteria provided, multiple submitters, no conflicts (2 of 4 stars). 2 submissions from 2 submitters: Uncertain significance (2). Last evaluated 2025-03-04.

Allele frequency attached by ClinVar (database versions not stated): TOPMed 0.00025; ExAC 0.00030; gnomAD exomes 0.00094.

Submissions (2):

Center for Genomic Medicine, Rigshospitalet, Copenhagen University Hospital
Classification: Uncertain significance. Last evaluated: 2025-03-04. Review status: criteria provided, single submitter. Criteria: ACMG Guidelines, 2015. Collection method: clinical testing. Allele origin: germline.

Labcorp Genetics (formerly Invitae), Labcorp
Classification: Uncertain significance. Last evaluated: 2022-04-25. Review status: criteria provided, single submitter. Criteria: Invitae Variant Classification Sherloc (09022015). Collection method: clinical testing. Allele origin: germline.
Comment: This sequence change falls in intron 4 of the HSD11B2 gene. It does not directly change the encoded amino acid sequence of the HSD11B2 protein. It affects a nucleotide within the consensus splice site. This variant is present in population databases (rs763932611, gnomAD 0.05%). This variant has not been reported in the literature in individuals affected with HSD11B2-related conditions. Variants that disrupt the consensus splice site are a relatively common cause of aberrant splicing (PMID: 17576681, 9536098). Algorithms developed to predict the effect of sequence changes on RNA splicing suggest that this variant may disrupt the consensus splice site. In summary, the available evidence is currently insufficient to determine the role of this variant in disease. Therefore, it has been classified as a Variant of Uncertain Significance.

Literature cited by the submitters: PubMed 17576681 (cited by Labcorp Genetics (formerly Invitae), Labcorp); PubMed 9536098 (cited by Labcorp Genetics (formerly Invitae), Labcorp).

NM_000196.4(HSD11B2):c.802+5G>C

Gene: HSD11B2 (hydroxysteroid 11-beta dehydrogenase 2; plus strand). Cytogenetic location: 16q22.1.
Variant type: single nucleotide variant.
Coding change: c.802+5G>C on transcript NM_000196.4 (MANE Select); 5 bases into the intron after coding-DNA position 802, G replaced by C.
Molecular consequence: intron variant.
Genome position (GRCh38, 1-based): chr16:67,436,391, G>C. VCF-style: chr16-67436391-G-C. GRCh37 (hg19) VCF-style: chr16-67470294-G-C.
Identifiers: ClinVar variation 2047042 (VCV002047042.3), dbSNP rs763932611, ClinGen allele CA8110735.
Genomic context (GRCh38, chr16:67,436,391, plus strand): 5'-ACTCCTTCCCTGGGGGGTCAAGGTCAGCATCATCCAGCCTGGCTGCTTCAAGACAGGTGG[G>C]AATCAGGGCTGGGGGTGGGGTGGGGGTGGGGAATGGGGCTGGGAATGGTCTTATGGGGGC-3'